The following is an entry in ClinVar:

NM_182961.4(SYNE1):c.1983C>T (p.Asn661=)

Gene: SYNE1 (spectrin repeat containing nuclear envelope protein 1; minus strand). Cytogenetic location: 6q25.2.
Variant type: single nucleotide variant.
Coding change: c.1983C>T on transcript NM_182961.4 (MANE Select); coding-DNA position 1983, C replaced by T.
Protein change: p.Asn661=; no amino-acid change (asparagine 661 retained).
Molecular consequence: synonymous variant.
Genome position (GRCh38, 1-based): chr6:152,463,467, G>A on the plus strand (C>T on the coding strand, the complement: SYNE1 is on the minus strand). VCF-style: chr6-152463467-G-A. GRCh37 (hg19) VCF-style: chr6-152784602-G-A.
Other names: c.2004C>T, p.Asn668= (NM_033071.5).
Identifiers: ClinVar variation 194991 (VCV000194991.63), dbSNP rs149670417, ClinGen allele CA201485.

ClinVar aggregate classification (germline): Benign/Likely benign. Review status: criteria provided, multiple submitters, no conflicts (2 of 4 stars). 12 submissions from 11 submitters: Benign (3); Likely benign (6). 3 of the submissions do not count toward it. Last evaluated 2026-09-01.

Conditions:
Emery-Dreifuss muscular dystrophy 4, autosomal dominant (EDMD4). Also called: EMERY-DREIFUSS MUSCULAR DYSTROPHY 4 WITH VARIABLE FEATURES. Identifiers: Orphanet 261, MedGen C2751807, MONDO:0013071, OMIM 612998.
Autosomal recessive ataxia, Beauce type. Also called: SYNE1 Deficiency; ATAXIA, RECESSIVE, OF BEAUCE; Spinocerebellar ataxia, autosomal recessive 8; SYNE1-Related Autosomal Recessive Cerebellar Ataxia. Identifiers: Orphanet 88644, MedGen C1853116, MONDO:0012549, OMIM 610743.

Allele frequency attached by ClinVar (database versions not stated): 1000 Genomes Project 30x 0.00047; 1000 Genomes Project 0.00060; TOPMed 0.00323; gnomAD 0.00370 and 0.00388; ESP Exome Variant Server 0.00408.
gnomAD v4.1: 8,651 of 1,613,562 alleles (0.54%); highest among the groups gnomAD compares: Non-Finnish European, 0.68%; 23 homozygotes.

Submissions (12):

CeGaT Center for Human Genetics Tuebingen
Classification: Likely benign. Last evaluated: 2026-09-01. Review status: criteria provided, single submitter. Criteria: CeGaT Center For Human Genetics Tuebingen Variant Classification Criteria Version 2. Collection method: clinical testing. Allele origin: germline. Affected: yes. Observed: 30 variant alleles.
Comment: SYNE1: BP4, BP7, BS2

Labcorp Genetics (formerly Invitae), Labcorp
Classification: Benign for Emery-Dreifuss muscular dystrophy 4, autosomal dominant; Autosomal recessive ataxia, Beauce type. Last evaluated: 2026-01-27. Review status: criteria provided, single submitter. Criteria: Invitae Variant Classification Sherloc (09022015). Collection method: clinical testing. Allele origin: germline.

Blueprint Genetics
Classification: Likely benign. Last evaluated: 2024-11-23. Review status: criteria provided, single submitter. Criteria: ACMG Guidelines, 2015. Collection method: clinical testing. Allele origin: germline.

Athena Diagnostics
Classification: Benign. Last evaluated: 2024-08-13. Review status: criteria provided, single submitter. Criteria: Athena Diagnostics Criteria. Collection method: clinical testing. Allele origin: unknown.

GeneDx
Classification: Likely benign. Last evaluated: 2020-11-20. Review status: criteria provided, single submitter. Criteria: GeneDx Variant Classification Process June 2021. Collection method: clinical testing. Allele origin: germline. Affected: yes.

Illumina Laboratory Services, Illumina
Classification: Benign for Emery-Dreifuss muscular dystrophy 4, autosomal dominant. Last evaluated: 2018-01-12. Review status: criteria provided, single submitter. Criteria: ICSL Variant Classification Criteria 13 December 2019. Collection method: clinical testing. Allele origin: germline.
Comment: This variant was observed in the ICSL laboratory as part of a predisposition screen in an ostensibly healthy population. It had not been previously curated by ICSL or reported in the Human Gene Mutation Database (HGMD: prior to June 1st, 2018), and was therefore a candidate for classification through an automated scoring system. Utilizing variant allele frequency, disease prevalence and penetrance estimates, and inheritance mode, an automated score was calculated to assess if this variant is too frequent to cause the disease. Based on the score and internal cut-off values, a variant classified as benign is not then subjected to further curation. The score for this variant resulted in a classification of benign for this disease.

Illumina Laboratory Services, Illumina
Classification: Likely benign for Autosomal recessive ataxia, Beauce type. Last evaluated: 2018-01-12. Review status: criteria provided, single submitter. Criteria: ICSL Variant Classification Criteria 13 December 2019. Collection method: clinical testing. Allele origin: germline.
Comment: This variant was observed in the ICSL laboratory as part of a predisposition screen in an ostensibly healthy population. It had not been previously curated by ICSL or reported in the Human Gene Mutation Database (HGMD: prior to June 1st, 2018), and was therefore a candidate for classification through an automated scoring system. Utilizing variant allele frequency, disease prevalence and penetrance estimates, and inheritance mode, an automated score was calculated to assess if this variant is too frequent to cause the disease. Based on the score and internal cut-off values, a variant classified as likely benign is not then subjected to further curation. The score for this variant resulted in a classification of likely benign for this disease.

Eurofins Ntd Llc (ga)
Classification: Likely benign. Last evaluated: 2014-12-02. Review status: criteria provided, single submitter. Criteria: EGL Classification Definitions 2015. Collection method: clinical testing. Allele origin: germline. Observed: 1 variant allele, 1 heterozygote.

Breakthrough Genomics
Classification: Likely benign. Review status: criteria provided, single submitter. Criteria: ACMG Guidelines, 2015. Collection method: not provided. Allele origin: germline. Inheritance: Autosomal recessive inheritance. Affected: yes.

Clinical Genetics DNA and cytogenetics Diagnostics Lab, Erasmus MC, Erasmus Medical Center
Classification: Likely benign. Review status: no assertion criteria provided. Collection method: clinical testing. Allele origin: germline. Affected: yes. Study: VKGL Data-share Consensus. Not counted in ClinVar's aggregate classification.

Diagnostic Laboratory, Department of Genetics, University Medical Center Groningen
Classification: Likely benign. Review status: no assertion criteria provided. Collection method: clinical testing. Allele origin: germline. Affected: yes. Study: VKGL Data-share Consensus. Not counted in ClinVar's aggregate classification.

Joint Genome Diagnostic Labs from Nijmegen and Maastricht, Radboudumc and MUMC+
Classification: Benign. Review status: no assertion criteria provided. Collection method: clinical testing. Allele origin: germline. Affected: yes. Study: VKGL Data-share Consensus. Not counted in ClinVar's aggregate classification.

Literature cited by the submitters: PubMed 28178086 (cited by Athena Diagnostics).